The following is an entry in ClinVar:

ClinVar aggregate classification (germline): Uncertain significance (1 of 4 stars; one submission).

Conditions:
Camptomelic dysplasia (CMPD). Also called: Campomelic Dysplasia; CMPD1/SRA1. Identifiers: Orphanet 140, MedGen C1861922, MONDO:0007251, OMIM 114290.

Submission:

Neuberg Centre For Genomic Medicine, NCGM
Classification: Uncertain significance for Camptomelic dysplasia. Last evaluated: 2023-06-22. Review status: criteria provided, single submitter. Criteria: ACMG Guidelines, 2015. Collection method: clinical testing. Allele origin: germline. Inheritance: Autosomal dominant inheritance. Affected: yes.
Comment: The missense c.1307C>G(p.Thr436Ser) variant in SOX9 gene has not been reported previously as a pathogenic variant nor as a benign variant, to our knowledge. The p.Thr436Ser variant is absent in gnomAD Exomes. This variant has not been submitted to the ClinVar database. Multiple lines of computational evidence (Polyphen - Possibly damaging, SIFT - Tolerated and MutationTaster - Disease causing) predict conflicting evidence on protein structure and function for this variant. The reference amino acid at this position in SOX9 is predicted as conserved by GERP++ and PhyloP across 100 vertebrates. The amino acid Thr at position 436 is changed to a Ser changing protein sequence and it might alter its composition and physico-chemical properties. For these reasons, this variant has been classified as Variant of Uncertain Significance (VUS).

NM_000346.4(SOX9):c.1307C>G (p.Thr436Ser)

Gene: SOX9 (SRY-box transcription factor 9; plus strand). Cytogenetic location: 17q24.3.
Variant type: single nucleotide variant.
Coding change: c.1307C>G on transcript NM_000346.4 (MANE Select); coding-DNA position 1307, C replaced by G.
Protein change: p.Thr436Ser; replaces threonine 436 with serine.
Molecular consequence: missense variant.
Genome position (GRCh38, 1-based): chr17:72,124,164, C>G. VCF-style: chr17-72124164-C-G. GRCh37 (hg19) VCF-style: chr17-70120305-C-G.
Other names: short protein forms T436S.
Identifiers: ClinVar variation 3731434 (VCV003731434.1).